The following is an entry in ClinVar:

ClinVar aggregate classification (germline): Likely benign (1 of 4 stars; one submission).

gnomAD v4.1: 1,289 of 1,613,944 alleles (0.08%); highest among the groups gnomAD compares: African/African-American, 1.4%; 8 homozygotes.

Submissions (2):

Mayo Clinic Laboratories, Mayo Clinic
Classification: Likely benign. Last evaluated: 2025-07-29. Review status: criteria provided, single submitter. Criteria: ACMG Guidelines, 2015. Collection method: clinical testing. Allele origin: germline. Observed: 3 variant alleles.
Comment: BS1, BP4_moderate

Dr. Peter K. Rogan Lab, Western University
No classification provided (evidence only). Condition: Uterine corpus endometrial carcinoma. Review status: no classification provided. Collection method: in vitro. Allele origin: not applicable. Functional consequence: retained intron. Not counted in ClinVar's aggregate classification.

NM_007098.4(CLTCL1):c.1442G>A (p.Arg481Gln)

Genes: CLTCL1 (clathrin heavy chain like 1; minus strand), LOC126863097 (BRD4-independent group 4 enhancer GRCh37_chr22:19220751-19221950; plus strand). Cytogenetic location: 22q11.21.
Variant type: single nucleotide variant.
Coding change: c.1442G>A on transcript NM_007098.4 (MANE Select); coding-DNA position 1442, G replaced by A.
Protein change: p.Arg481Gln; replaces arginine 481 with glutamine.
Molecular consequence: missense variant.
Genome position (GRCh38, 1-based): chr22:19,233,245, C>T on the plus strand (G>A on the coding strand, the complement: CLTCL1 is on the minus strand). VCF-style: chr22-19233245-C-T. GRCh37 (hg19) VCF-style: chr22-19220768-C-T.
Other names: NC_000022.10:g.19220768C>T; p.Arg481Gln; c.1442G>A, p.Arg481Gln (NM_001835.4); short protein forms R481Q.
Identifiers: ClinVar variation 4455930 (VCV004455930.2).